The following is an entry in ClinVar:

ClinVar aggregate classification (germline): Uncertain significance (1 of 4 stars; one submission).

gnomAD v4.1: 4 of 1,612,282 alleles (0.00025%); highest among the groups gnomAD compares: Non-Finnish European, 0.00034%; no homozygotes.

Submission:

Greenwood Genetic Center Diagnostic Laboratories, Greenwood Genetic Center
Classification: Uncertain significance. Last evaluated: 2025-01-21. Review status: criteria provided, single submitter. Criteria: ACMG Guidelines, 2015. Collection method: clinical testing. Allele origin: germline.
Comment: Gene of Uncertain Significance

NM_001037984.3(SLC38A10):c.609G>T (p.Met203Ile)

Gene: SLC38A10 (solute carrier family 38 member 10; minus strand). Cytogenetic location: 17q25.3.
Variant type: single nucleotide variant.
Coding change: c.609G>T on transcript NM_001037984.3 (MANE Select); coding-DNA position 609, G replaced by T.
Protein change: p.Met203Ile; replaces methionine 203 with isoleucine.
Molecular consequence: missense variant.
Genome position (GRCh38, 1-based): chr17:81,280,626, C>A on the plus strand (G>T on the coding strand, the complement: SLC38A10 is on the minus strand). VCF-style: chr17-81280626-C-A. GRCh37 (hg19) VCF-style: chr17-79254426-C-A.
Other names: c.609G>T, p.Met203Ile (NM_138570.4); short protein forms M203I.
Identifiers: ClinVar variation 4851771 (VCV004851771.1).